The following is an entry in ClinVar:

ClinVar aggregate classification (germline): Uncertain significance (1 of 4 stars; one submission).

Allele frequency attached by ClinVar (database versions not stated): TOPMed below 0.00001.

Submission:

Labcorp Genetics (formerly Invitae), Labcorp
Classification: Uncertain significance. Last evaluated: 2021-06-28. Review status: criteria provided, single submitter. Criteria: Invitae Variant Classification Sherloc (09022015). Collection method: clinical testing. Allele origin: germline.
Comment: This sequence change replaces threonine with proline at codon 645 of the COL10A1 protein (p.Thr645Pro). The threonine residue is moderately conserved and there is a small physicochemical difference between threonine and proline. This variant is not present in population databases (ExAC no frequency). This variant has not been reported in the literature in individuals with COL10A1-related conditions. Algorithms developed to predict the effect of missense changes on protein structure and function are either unavailable or do not agree on the potential impact of this missense change (SIFT: "Deleterious"; PolyPhen-2: "Possibly Damaging"; Align-GVGD: "Class C0"). In summary, the available evidence is currently insufficient to determine the role of this variant in disease. Therefore, it has been classified as a Variant of Uncertain Significance.

NM_000493.4(COL10A1):c.1933A>C (p.Thr645Pro)

Genes: COL10A1 (collagen type X alpha 1 chain; minus strand), NT5DC1 (5'-nucleotidase domain containing 1; plus strand). Cytogenetic location: 6q22.1.
Variant type: single nucleotide variant.
Coding change: c.1933A>C on transcript NM_000493.4 (MANE Select); coding-DNA position 1933, A replaced by C.
Protein change: p.Thr645Pro; replaces threonine 645 with proline.
Molecular consequence: missense variant. On other transcripts: intron variant (1).
Genome position (GRCh38, 1-based): chr6:116,120,183, T>G on the plus strand (A>C on the coding strand, the complement: COL10A1 is on the minus strand). VCF-style: chr6-116120183-T-G. GRCh37 (hg19) VCF-style: chr6-116441346-T-G.
Other names: c.1933A>C, p.Thr645Pro (NM_001424106.1, NM_001424107.1); c.529+2238T>G (NM_152729.3); short protein forms T645P.
Identifiers: ClinVar variation 1462332 (VCV001462332.8), dbSNP rs1218441017, ClinGen allele CA365386376.